The following is an entry in ClinVar:

NM_002335.4(LRP5):c.4421A>T (p.Asp1474Val)

Gene: LRP5 (LDL receptor related protein 5; plus strand). Cytogenetic location: 11q13.2.
Variant type: single nucleotide variant.
Coding change: c.4421A>T on transcript NM_002335.4 (MANE Select); coding-DNA position 4421, A replaced by T.
Protein change: p.Asp1474Val; replaces aspartic acid 1474 with valine.
Molecular consequence: missense variant.
Genome position (GRCh38, 1-based): chr11:68,439,849, A>T. VCF-style: chr11-68439849-A-T. GRCh37 (hg19) VCF-style: chr11-68207317-A-T.
Other names: c.2678A>T, p.Asp893Val (NM_001291902.2); short protein forms D1474V, D893V.
Identifiers: ClinVar variation 1960734 (VCV001960734.5), dbSNP rs2496908407, ClinGen allele CA381616105.

ClinVar aggregate classification (germline): Uncertain significance (1 of 4 stars; one submission).

Allele frequency attached by ClinVar (database versions not stated): gnomAD exomes below 0.00001.
gnomAD v4.1: 1 of 1,600,570 alleles (0.000062%); highest among the groups gnomAD compares: Non-Finnish European, 0.000085%; no homozygotes.

Submission:

Labcorp Genetics (formerly Invitae), Labcorp
Classification: Uncertain significance. Last evaluated: 2022-07-14. Review status: criteria provided, single submitter. Criteria: Invitae Variant Classification Sherloc (09022015). Collection method: clinical testing. Allele origin: germline.
Comment: This sequence change replaces aspartic acid, which is acidic and polar, with valine, which is neutral and non-polar, at codon 1474 of the LRP5 protein (p.Asp1474Val). This variant is not present in population databases (gnomAD no frequency). This variant has not been reported in the literature in individuals affected with LRP5-related conditions. Advanced modeling of protein sequence and biophysical properties (such as structural, functional, and spatial information, amino acid conservation, physicochemical variation, residue mobility, and thermodynamic stability) performed at Invitae indicates that this missense variant is expected to disrupt LRP5 protein function. In summary, the available evidence is currently insufficient to determine the role of this variant in disease. Therefore, it has been classified as a Variant of Uncertain Significance.